The following is an entry in ClinVar:

NM_005633.4(SOS1):c.3857C>T (p.Ser1286Phe)

Gene: SOS1 (SOS Ras/Rac guanine nucleotide exchange factor 1; minus strand). Cytogenetic location: 2p22.1.
Variant type: single nucleotide variant.
Coding change: c.3857C>T on transcript NM_005633.4 (MANE Select); coding-DNA position 3857, C replaced by T.
Protein change: p.Ser1286Phe; replaces serine 1286 with phenylalanine.
Molecular consequence: missense variant.
Genome position (GRCh38, 1-based): chr2:38,985,969, G>A on the plus strand (C>T on the coding strand, the complement: SOS1 is on the minus strand). VCF-style: chr2-38985969-G-A. GRCh37 (hg19) VCF-style: chr2-39213110-G-A.
Other names: c.3836C>T, p.Ser1279Phe (NM_001382394.1); c.3812C>T, p.Ser1271Phe (NM_001382395.1); short protein forms S1286F, S1271F, S1279F.
Identifiers: ClinVar variation 181534 (VCV000181534.36), dbSNP rs374341202, ClinGen allele CA297199.

ClinVar aggregate classification (germline): Conflicting classifications of pathogenicity. Review status: criteria provided, conflicting classifications (1 of 4 stars). 9 submissions from 8 submitters: Uncertain significance (7); Likely benign (2). Last evaluated 2025-08-31.

Conditions:
SOS1-related disorder. Also called: SOS1-related condition.
Cardiovascular phenotype. Identifiers: MedGen CN230736.
Noonan syndrome 4 (NS4). Also called: NOONAN SYNDROME WITH PIGMENTED VILLONODULAR SYNOVITIS; SOS1-Related Noonan Syndrome. Identifiers: Orphanet 648, MedGen C1853120, MONDO:0012547, OMIM 610733.
Fibromatosis, gingival, 1 (GINGF1). Identifiers: Orphanet 2024, MedGen C4551558, MONDO:0007609, OMIM 135300.
RASopathy. Also called: rasopathies; Noonan spectrum disorder. Identifiers: Orphanet 536391, MedGen C5555857, MONDO:0021060.

Allele frequency attached by ClinVar (database versions not stated): gnomAD exomes 0.00002; ExAC 0.00003; gnomAD 0.00004 and 0.00005; TOPMed 0.00004; ESP Exome Variant Server 0.00008.
gnomAD v4.1: 32 of 1,613,858 alleles (0.002%); highest among the groups gnomAD compares: Admixed American, 0.005%; no homozygotes.

Submissions (9):

Labcorp Genetics (formerly Invitae), Labcorp
Classification: Likely benign for RASopathy. Last evaluated: 2025-08-31. Review status: criteria provided, single submitter. Criteria: Invitae Variant Classification Sherloc (09022015). Collection method: clinical testing. Allele origin: germline.

Ambry Genetics
Classification: Uncertain significance for Cardiovascular phenotype. Last evaluated: 2025-08-30. Review status: criteria provided, single submitter. Criteria: Ambry Variant Classification Scheme 2023. Collection method: clinical testing. Allele origin: germline.
Comment: The p.S1286F variant (also known as c.3857C>T), located in coding exon 23 of the SOS1 gene, results from a C to T substitution at nucleotide position 3857. The serine at codon 1286 is replaced by phenylalanine, an amino acid with highly dissimilar properties. This amino acid position is well conserved in available vertebrate species. In addition, this alteration is predicted to be tolerated by in silico analysis. Since supporting evidence is limited at this time, the clinical significance of this alteration remains unclear.

PreventionGenetics, part of Exact Sciences
Classification: Uncertain significance for SOS1-related condition. Last evaluated: 2025-04-18. Review status: criteria provided, single submitter. Criteria: ACMG Guidelines, 2015. Collection method: clinical testing. Allele origin: germline.
Comment: The SOS1 c.3857C>T variant is predicted to result in the amino acid substitution p.Ser1286Phe. To our knowledge, this variant has not been reported in the literature. This variant is reported in 0.0056% of alleles in individuals of Latino descent in gnomAD. At this time, the clinical significance of this variant is uncertain due to the absence of conclusive functional and genetic evidence.

CeGaT Center for Human Genetics Tuebingen
Classification: Likely benign. Last evaluated: 2024-05-01. Review status: criteria provided, single submitter. Criteria: CeGaT Center For Human Genetics Tuebingen Variant Classification Criteria Version 2. Collection method: clinical testing. Allele origin: germline. Affected: yes. Observed: 1 variant allele.
Comment: SOS1: BP4

Blueprint Genetics
Classification: Uncertain significance. Last evaluated: 2024-03-01. Review status: criteria provided, single submitter. Criteria: ACMG Guidelines, 2015. Collection method: clinical testing. Allele origin: germline.

Fulgent Genetics
Classification: Uncertain significance for Fibromatosis, gingival, 1; Noonan syndrome 4. Last evaluated: 2021-11-01. Review status: criteria provided, single submitter. Criteria: ACMG Guidelines, 2015. Collection method: clinical testing. Allele origin: unknown.

Women's Health and Genetics/Laboratory Corporation of America, LabCorp
Classification: Uncertain significance. Last evaluated: 2018-02-12. Review status: criteria provided, single submitter. Criteria: LabCorp Variant Classification Summary - May 2015. Collection method: clinical testing. Allele origin: germline.
Comment: Variant summary: SOS1 c.3857C>T (p.Ser1286Phe) results in a non-conservative amino acid change in the encoded protein sequence. Three of five in-silico tools predict a damaging effect of the variant on protein function. The variant allele was found at a frequency of 1.8e-05 in 277008 control chromosomes (gnomAD). This frequency is not significantly higher than expected for a pathogenic variant in SOS1 causing Noonan Syndrome and Related Conditions (1.8e-05 vs 3e-05), allowing no conclusion about variant significance. To our knowledge, no occurrence of c.3857C>T in individuals affected with Noonan Syndrome and Related Conditions and no experimental evidence demonstrating its impact on protein function have been reported. No clinical diagnostic laboratories have submitted clinical-significance assessments for this variant to ClinVar after 2014. Based on the evidence outlined above, the variant was classified as possibly benign.

Genome-Nilou Lab
Classification: Uncertain significance for Noonan syndrome 4. Review status: criteria provided, single submitter. Criteria: ACMG Guidelines, 2015. Collection method: clinical testing. Allele origin: germline.

Genome-Nilou Lab
Classification: Uncertain significance for Fibromatosis, gingival, 1. Review status: criteria provided, single submitter. Criteria: ACMG Guidelines, 2015. Collection method: clinical testing. Allele origin: germline.